The following continues an entry in ClinVar:

NM_000152.5(GAA):c.1003G>A (p.Gly335Arg)

Gene: GAA. ClinVar aggregate classification (germline): Likely pathogenic. Likely pathogenic (1).

Submissions 9 to 10 of 10:

Laboratory for Molecular Medicine, Mass General Brigham Personalized Medicine
Classification: Pathogenic for Glycogen storage disease, type II. Last evaluated: 2022-08-26. Review status: criteria provided, single submitter. Criteria: ACMG Guidelines, 2015. Collection method: clinical testing. Allele origin: germline. Not counted in ClinVar's aggregate classification.
Comment: The p.Gly335Arg variant in GAA has been reported in four individuals with glycogen storage disease II (PMID: 24685124, 26497565, 18425781), and has been identified in 0.003% (1/30616) of South Asian chromosomes by the Genome Aggregation Database (gnomAD; dbSNP rs202095215). Although this variant has been seen in the general population, its frequency is low enough to be consistent with a recessive carrier frequency. In vitro functional studies using COS-7 cells transfected with the variant provide some evidence that the p.Gly335Arg variant may impact protein function (PMID: 22644586). However, these types of assays may not accurately represent biological function. Computational prediction tools and conservation analyses suggest that this variant may impact the protein, though this information is not predictive enough to determine pathogenicity. A pathogenic variant, resulting in a different amino acid change at the same position, p.Gly335Glu, has been reported in association with the disease in the literature and in ClinVar, slightly supporting that a change at this position may not be tolerated (PMID: 22644586, 24513544, 27649523; VariationID: 180142). The phenotype of an individual heterozygous for this variant is highly specific for glycogen storage disease II based on GAA enzyme activity being <10% of wild type consistent with disease (PMID: 26497565). In summary, this variant meets criteria to be classified as pathogenic for glycogen storage disease II in an autosomal recessive manner based on in vitro functional studies and another pathogenic variant at the same position. ACMG/AMP Criteria applied: PS3, PM2, PP3, PP4, PM5 (Richards 2015).

Broad Center for Mendelian Genomics, Broad Institute of MIT and Harvard
Classification: Pathogenic for Glycogen storage disease, type II. Last evaluated: 2020-01-22. Review status: criteria provided, single submitter. Criteria: ACMG Guidelines, 2015. Collection method: curation. Allele origin: germline. Inheritance: Autosomal recessive inheritance. Not counted in ClinVar's aggregate classification.
Comment: the same text as in the submission from Laboratory for Molecular Medicine, Mass General Brigham Personalized Medicine above.

Literature cited by the submitters: PubMed 33996274 (cited by Genomenon, Inc); PubMed 31606152 (cited by Genomenon, Inc and Myriad Genetics, Inc.); PubMed 31510962 (cited by 4 submitters); PubMed 31193175 (cited by Genomenon, Inc); PubMed 26497565 (cited by 4 submitters); PubMed 24685124 (cited by Genomenon, Inc and Myriad Genetics, Inc.); PubMed 22644586 (cited by 4 submitters); PubMed 18425781 (cited by Labcorp Genetics (formerly Invitae), Labcorp and Myriad Genetics, Inc.); PubMed 32711049 (cited by Labcorp Genetics (formerly Invitae), Labcorp); PubMed 21637107 (cited by Myriad Genetics, Inc.); PubMed 40225932 (cited by Myriad Genetics, Inc.).